The following is an entry in ClinVar:

ClinVar aggregate classification (germline): Uncertain significance (1 of 4 stars; one submission).

Allele frequency attached by ClinVar (database versions not stated): gnomAD 0.00001; gnomAD exomes 0.00002.
gnomAD v4.1: 13 of 1,613,932 alleles (0.00081%); highest among the groups gnomAD compares: East Asian, 0.029%; no homozygotes.

Submission:

Labcorp Genetics (formerly Invitae), Labcorp
Classification: Uncertain significance. Last evaluated: 2023-03-26. Review status: criteria provided, single submitter. Criteria: Invitae Variant Classification Sherloc (09022015). Collection method: clinical testing. Allele origin: germline.
Comment: This sequence change replaces glutamine, which is neutral and polar, with arginine, which is basic and polar, at codon 318 of the CSF2RB protein (p.Gln318Arg). This variant is not present in population databases (gnomAD no frequency). This variant has not been reported in the literature in individuals affected with CSF2RB-related conditions. Advanced modeling of protein sequence and biophysical properties (such as structural, functional, and spatial information, amino acid conservation, physicochemical variation, residue mobility, and thermodynamic stability) performed at Invitae indicates that this missense variant is not expected to disrupt CSF2RB protein function. In summary, the available evidence is currently insufficient to determine the role of this variant in disease. Therefore, it has been classified as a Variant of Uncertain Significance.

NM_000395.3(CSF2RB):c.953A>G (p.Gln318Arg)

Gene: CSF2RB (colony stimulating factor 2 receptor subunit beta; plus strand). Cytogenetic location: 22q12.3.
Variant type: single nucleotide variant.
Coding change: c.953A>G on transcript NM_000395.3 (MANE Select); coding-DNA position 953, A replaced by G.
Protein change: p.Gln318Arg; replaces glutamine 318 with arginine.
Molecular consequence: missense variant.
Genome position (GRCh38, 1-based): chr22:36,930,771, A>G. VCF-style: chr22-36930771-A-G. GRCh37 (hg19) VCF-style: chr22-37326813-A-G.
Other names: c.971A>G, p.Gln324Arg (NM_001410827.1); short protein forms Q318R, Q324R.
Identifiers: ClinVar variation 2788627 (VCV002788627.3), dbSNP rs776142666, ClinGen allele CA10213653.